The following is an entry in ClinVar:

ClinVar aggregate classification (germline): Uncertain significance (1 of 4 stars; one submission).

Submission:

Ambry Genetics
Classification: Uncertain significance. Last evaluated: 2021-07-29. Review status: criteria provided, single submitter. Criteria: Ambry Variant Classification Scheme 2023. Collection method: clinical testing. Allele origin: germline.
Comment: The p.P1407R variant (also known as c.4220C>G), located in coding exon 18 of the NPAT gene, results from a C to G substitution at nucleotide position 4220. The proline at codon 1407 is replaced by arginine, an amino acid with dissimilar properties. This amino acid position is conserved. In addition, this alteration is predicted to be tolerated by in silico analysis. Since supporting evidence is limited at this time, the clinical significance of this alteration remains unclear.

NM_002519.3(NPAT):c.4220C>G (p.Pro1407Arg)

Gene: NPAT (nuclear protein, coactivator of histone transcription; minus strand). Cytogenetic location: 11q22.3.
Variant type: single nucleotide variant.
Coding change: c.4220C>G on transcript NM_002519.3 (MANE Select); coding-DNA position 4220, C replaced by G.
Protein change: p.Pro1407Arg; replaces proline 1407 with arginine.
Molecular consequence: missense variant.
Genome position (GRCh38, 1-based): chr11:108,159,006, G>C on the plus strand (C>G on the coding strand, the complement: NPAT is on the minus strand). VCF-style: chr11-108159006-G-C. GRCh37 (hg19) VCF-style: chr11-108029733-G-C.
Other names: c.4241C>G, p.Pro1414Arg (NM_001321307.1); short protein forms P1414R, P1407R.
Identifiers: ClinVar variation 1738828 (VCV001738828.2), dbSNP rs2496688776, ClinGen allele CA382509092.
Genomic context (GRCh38, chr11:108,159,006, plus strand): 5'-TCATCATAATGCAATGATAACAAAAATTTGTCTACATCCATTCCTGCTGGAAATGAACTG[G>C]GAAGCTTCTTTTTCTGTTGAAAAAGAGAAAGAAAAAATAAACTCAAAACAAGGCCAAAAT-3'
Protein context (NP_002510.2, residues 1397-1417): KKKKIKKKKL[Pro1407Arg]SSFPAGMDVD